The following is an entry in ClinVar:

NM_015910.7(WDPCP):c.785C>T (p.Ala262Val)

Gene: WDPCP (WD repeat containing planar cell polarity effector; minus strand). Cytogenetic location: 2p15.
Variant type: single nucleotide variant.
Coding change: c.785C>T on transcript NM_015910.7 (MANE Select); coding-DNA position 785, C replaced by T.
Protein change: p.Ala262Val; replaces alanine 262 with valine.
Molecular consequence: missense variant. On other transcripts: non-coding transcript variant (3).
Genome position (GRCh38, 1-based): chr2:63,433,785, G>A on the plus strand (C>T on the coding strand, the complement: WDPCP is on the minus strand). VCF-style: chr2-63433785-G-A. GRCh37 (hg19) VCF-style: chr2-63660919-G-A.
Other names: c.308C>T, p.Ala103Val (NM_001042692.3); c.713C>T, p.Ala238Val (NM_001354044.2); c.785C>T, p.Ala262Val (NM_001354045.2); short protein forms A103V, A238V, A262V.
Identifiers: ClinVar variation 1995337 (VCV001995337.4), dbSNP rs2466928339, ClinGen allele CA347062352.

ClinVar aggregate classification (germline): Uncertain significance (1 of 4 stars; one submission).

Conditions:
Bardet-Biedl syndrome (BBS). Identifiers: Orphanet 110, MedGen C0752166, MONDO:0015229.

Submission:

Labcorp Genetics (formerly Invitae), Labcorp
Classification: Uncertain significance for Bardet-Biedl syndrome. Last evaluated: 2022-05-16. Review status: criteria provided, single submitter. Criteria: Invitae Variant Classification Sherloc (09022015). Collection method: clinical testing. Allele origin: germline.
Comment: This sequence change replaces alanine, which is neutral and non-polar, with valine, which is neutral and non-polar, at codon 262 of the WDPCP protein (p.Ala262Val). In summary, the available evidence is currently insufficient to determine the role of this variant in disease. Therefore, it has been classified as a Variant of Uncertain Significance. Algorithms developed to predict the effect of missense changes on protein structure and function output the following: SIFT: "Deleterious"; PolyPhen-2: "Benign"; Align-GVGD: "Class C0". The valine amino acid residue is found in multiple mammalian species, which suggests that this missense change does not adversely affect protein function. This variant has not been reported in the literature in individuals affected with WDPCP-related conditions. This variant is not present in population databases (gnomAD no frequency).